The following is an entry in ClinVar:

NM_015672.2(RIMBP3):c.1971C>G (p.Ala657=)

Gene: RIMBP3 (RIMS binding protein 3; minus strand). Cytogenetic location: 22q11.21.
Variant type: single nucleotide variant.
Coding change: c.1971C>G on transcript NM_015672.2 (MANE Select); coding-DNA position 1971, C replaced by G.
Protein change: p.Ala657=; no amino-acid change (alanine 657 retained).
Molecular consequence: synonymous variant.
Genome position (GRCh38, 1-based): chr22:18,609,464, G>C on the plus strand (C>G on the coding strand, the complement: RIMBP3 is on the minus strand). VCF-style: chr22-18609464-G-C. GRCh37 (hg19) VCF-style: chr22-20459331-G-C.
Identifiers: ClinVar variation 2652886 (VCV002652886.24), dbSNP rs1357583925, ClinGen allele CA513713992.

ClinVar aggregate classification (germline): Likely benign (1 of 4 stars; one submission).

Allele frequency attached by ClinVar (database versions not stated): 1000 Genomes Project 30x 0.00500.

Submission:

CeGaT Center for Human Genetics Tuebingen
Classification: Likely benign. Last evaluated: 2022-11-01. Review status: criteria provided, single submitter. Criteria: CeGaT Center For Human Genetics Tuebingen Variant Classification Criteria Version 2. Collection method: clinical testing. Allele origin: germline. Affected: yes. Observed: 1 variant allele.
Comment: RIMBP3: BP4, BP7, BS2